The following is an entry in ClinVar:

NM_022124.6(CDH23):c.6787A>G (p.Asn2263Asp)

Gene: CDH23 (cadherin related 23; plus strand). Cytogenetic location: 10q22.1.
Variant type: single nucleotide variant.
Coding change: c.6787A>G on transcript NM_022124.6 (MANE Select); coding-DNA position 6787, A replaced by G.
Protein change: p.Asn2263Asp; replaces asparagine 2263 with aspartic acid.
Molecular consequence: missense variant.
Genome position (GRCh38, 1-based): chr10:71,797,178, A>G. VCF-style: chr10-71797178-A-G. GRCh37 (hg19) VCF-style: chr10-73556935-A-G.
Other names: c.67A>G, p.Asn23Asp (NM_001171933.1, NM_001171934.1); short protein forms N2263D, N23D.
Identifiers: ClinVar variation 1375215 (VCV001375215.6), dbSNP rs1184219150, ClinGen allele CA377157187.

ClinVar aggregate classification (germline): Uncertain significance (1 of 4 stars; one submission).

Submission:

Labcorp Genetics (formerly Invitae), Labcorp
Classification: Uncertain significance. Last evaluated: 2025-01-06. Review status: criteria provided, single submitter. Criteria: Invitae Variant Classification Sherloc (09022015). Collection method: clinical testing. Allele origin: germline.
Comment: This sequence change replaces asparagine, which is neutral and polar, with aspartic acid, which is acidic and polar, at codon 2263 of the CDH23 protein (p.Asn2263Asp). This variant is not present in population databases (gnomAD no frequency). This variant has not been reported in the literature in individuals affected with CDH23-related conditions. ClinVar contains an entry for this variant (Variation ID: 1375215). Invitae Evidence Modeling of protein sequence and biophysical properties (such as structural, functional, and spatial information, amino acid conservation, physicochemical variation, residue mobility, and thermodynamic stability) has been performed for this missense variant. However, the output from this modeling did not meet the statistical confidence thresholds required to predict the impact of this variant on CDH23 protein function. In summary, the available evidence is currently insufficient to determine the role of this variant in disease. Therefore, it has been classified as a Variant of Uncertain Significance.